The following is an entry in ClinVar:

NM_001003800.2(BICD2):c.1556G>T (p.Ser519Ile)

Gene: BICD2 (BICD cargo adaptor 2; minus strand). Cytogenetic location: 9q22.31.
Variant type: single nucleotide variant.
Coding change: c.1556G>T on transcript NM_001003800.2 (MANE Select); coding-DNA position 1556, G replaced by T.
Protein change: p.Ser519Ile; replaces serine 519 with isoleucine.
Molecular consequence: missense variant.
Genome position (GRCh38, 1-based): chr9:92,719,089, C>A on the plus strand (G>T on the coding strand, the complement: BICD2 is on the minus strand). VCF-style: chr9-92719089-C-A. GRCh37 (hg19) VCF-style: chr9-95481371-C-A.
Other names: c.1556G>T, p.Ser519Ile (NM_015250.4); short protein forms S519I.
Identifiers: ClinVar variation 452307 (VCV000452307.16), dbSNP rs940304129, ClinGen allele CA196340551.

ClinVar aggregate classification (germline): Uncertain significance. Review status: criteria provided, multiple submitters, no conflicts (2 of 4 stars). 4 submissions from 4 submitters: Uncertain significance (4). Last evaluated 2025-08-31.

Conditions:
Inborn genetic diseases. Identifiers: MedGen C0950123, MeSH D030342.
Autosomal dominant childhood-onset proximal spinal muscular atrophy with contractures (SMALED2A). Also called: SPINAL MUSCULAR ATROPHY, LOWER EXTREMITY-PREDOMINANT, 2A, CHILDHOOD ONSET, AUTOSOMAL DOMINANT; Spinal muscular atrophy, lower extremity-predominant, 2A, autosomal dominant. Identifiers: Orphanet 363447, Orphanet 363454, MedGen C4747715, MONDO:0014121, OMIM 615290.

Allele frequency attached by ClinVar (database versions not stated): gnomAD exomes below 0.00001; gnomAD 0.00001; TOPMed 0.00002.
gnomAD v4.1: 59 of 1,612,972 alleles (0.0037%); highest among the groups gnomAD compares: Non-Finnish European, 0.0047%; no homozygotes.

Submissions (4):

Ambry Genetics
Classification: Uncertain significance for Inborn genetic diseases. Last evaluated: 2025-08-31. Review status: criteria provided, single submitter. Criteria: Ambry Variant Classification Scheme 2023. Collection method: clinical testing. Allele origin: germline.

Labcorp Genetics (formerly Invitae), Labcorp
Classification: Uncertain significance for Autosomal dominant childhood-onset proximal spinal muscular atrophy with contractures. Last evaluated: 2025-07-09. Review status: criteria provided, single submitter. Criteria: Invitae Variant Classification Sherloc (09022015). Collection method: clinical testing. Allele origin: germline.
Comment: This sequence change replaces serine, which is neutral and polar, with isoleucine, which is neutral and non-polar, at codon 519 of the BICD2 protein (p.Ser519Ile). This variant is present in population databases (no rsID available, gnomAD 0.0009%). This variant has not been reported in the literature in individuals affected with BICD2-related conditions. ClinVar contains an entry for this variant (Variation ID: 452307). Invitae Evidence Modeling incorporating data from in vitro experimental studies (internal data) indicates that this missense variant is not expected to disrupt BICD2 function with a negative predictive value of 95%. In summary, the available evidence is currently insufficient to determine the role of this variant in disease. Therefore, it has been classified as a Variant of Uncertain Significance.

Blueprint Genetics
Classification: Uncertain significance. Last evaluated: 2024-11-04. Review status: criteria provided, single submitter. Criteria: ACMG Guidelines, 2015. Collection method: clinical testing. Allele origin: germline.

GeneDx
Classification: Uncertain significance. Last evaluated: 2017-09-28. Review status: criteria provided, single submitter. Criteria: GeneDx Variant Classification (06012015). Collection method: clinical testing. Allele origin: germline. Affected: yes.
Comment: A variant of uncertain significance has been identified in the BICD2 gene. The S519I variant has not been published as a pathogenic variant, nor has it been reported as a benign variant to our knowledge. The S519I variant is not observed in large population cohorts (Lek et al., 2016). The S519I variant is a non-conservative amino acid substitution, which is likely to impact secondary protein structure as these residues differ in polarity, charge, size and/or other properties. This substitution occurs at a position that is conserved in mammals. In silico analysis predicts this variant is probably damaging to the protein structure/function.However, missense variants in nearby residues have not been reported in Human Gene Mutation Database (Stenson et al., 2014). Therefore, based on the currently available information, it is unclear whether this variant is a pathogenic variant or a rare benign variant.